The following is an entry in ClinVar:

ClinVar aggregate classification (germline): Likely benign (1 of 4 stars; one submission).

Allele frequency attached by ClinVar (database versions not stated): 1000 Genomes Project 0.00319; 1000 Genomes Project 30x 0.00375; ExAC 0.00552; ESP Exome Variant Server 0.00707.
gnomAD v4.1: 12,024 of 1,614,210 alleles (0.74%); highest among the groups gnomAD compares: Non-Finnish European, 0.91%; 55 homozygotes.

Submission:

CeGaT Center for Human Genetics Tuebingen
Classification: Likely benign. Last evaluated: 2026-07-01. Review status: criteria provided, single submitter. Criteria: CeGaT Center For Human Genetics Tuebingen Variant Classification Criteria Version 2. Collection method: clinical testing. Allele origin: germline. Affected: yes. Observed: 11 variant alleles.
Comment: TTI1: BP4, BS2

NM_001303457.2(TTI1):c.1349G>A (p.Arg450His)

Gene: TTI1 (TELO2 interacting protein 1; minus strand). Cytogenetic location: 20q11.23.
Variant type: single nucleotide variant.
Coding change: c.1349G>A on transcript NM_001303457.2 (MANE Select); coding-DNA position 1349, G replaced by A.
Protein change: p.Arg450His; replaces arginine 450 with histidine.
Molecular consequence: missense variant.
Genome position (GRCh38, 1-based): chr20:38,012,468, C>T on the plus strand (G>A on the coding strand, the complement: TTI1 is on the minus strand). VCF-style: chr20-38012468-C-T. GRCh37 (hg19) VCF-style: chr20-36640870-C-T.
Other names: c.1349G>A, p.Arg450His (NM_014657.3); short protein forms R450H.
Identifiers: ClinVar variation 2652312 (VCV002652312.24), dbSNP rs36059660, ClinGen allele CA9849478.